The following is an entry in ClinVar:

ClinVar aggregate classification (germline): Uncertain significance (1 of 4 stars; one submission).

Conditions:
Melnick-Needles syndrome (MNS). Also called: MELNICK-NEEDLES OSTEODYSPLASTY; OSTEODYSPLASTY OF MELNICK AND NEEDLES; Melnick-Needles Syndrome (FLNA-MNS). Identifiers: Orphanet 2484, MedGen C0025237, MONDO:0010650, OMIM 309350.
Heterotopia, periventricular, X-linked dominant (PVNH1). Also called: PERIVENTRICULAR NODULAR HETEROTOPIA 1; X-linked periventricular heterotopia; PERIVENTRICULAR NODULAR HETEROTOPIA 4; HETEROTOPIA, PERIVENTRICULAR, 1. Identifiers: Orphanet 2149, Orphanet 82004, MedGen C1848213, MONDO:0010233, OMIM 300049.
Frontometaphyseal dysplasia (FMD1). Identifiers: Orphanet 1826, MedGen C0265293, MONDO:0015942.
Oto-palato-digital syndrome, type II (OPD2). Also called: FACIOPALATOOSSEOUS SYNDROME; OPD II SYNDROME; Otopalatodigital Syndrome Type 2 (FLNA-OPD2); Otopalatodigital Syndrome, Type II. Identifiers: Orphanet 669, Orphanet 90652, MedGen C1844696, MONDO:0010571, OMIM 304120.

Submission:

Labcorp Genetics (formerly Invitae), Labcorp
Classification: Uncertain significance for Oto-palato-digital syndrome, type II; Heterotopia, periventricular, X-linked dominant; Frontometaphyseal dysplasia; Melnick-Needles syndrome. Last evaluated: 2022-02-25. Review status: criteria provided, single submitter. Criteria: Invitae Variant Classification Sherloc (09022015). Collection method: clinical testing. Allele origin: germline.
Comment: In summary, the available evidence is currently insufficient to determine the role of this variant in disease. Therefore, it has been classified as a Variant of Uncertain Significance. Algorithms developed to predict the effect of sequence changes on RNA splicing suggest that this variant may disrupt the consensus splice site. Advanced modeling of protein sequence and biophysical properties (such as structural, functional, and spatial information, amino acid conservation, physicochemical variation, residue mobility, and thermodynamic stability) performed at Invitae indicates that this missense variant is not expected to disrupt FLNA protein function. This variant has not been reported in the literature in individuals affected with FLNA-related conditions. This variant is not present in population databases (gnomAD no frequency). This sequence change replaces glutamine, which is neutral and polar, with glutamic acid, which is acidic and polar, at codon 2538 of the FLNA protein (p.Gln2538Glu).

NM_001110556.2(FLNA):c.7636C>G (p.Gln2546Glu)

Genes: FLNA (filamin A; minus strand), LOC107988032 (Xq28 proximal FLNA-EMD recombination region; plus strand). Cytogenetic location: Xq28.
Variant type: single nucleotide variant.
Coding change: c.7636C>G on transcript NM_001110556.2 (MANE Select); coding-DNA position 7636, C replaced by G.
Protein change: p.Gln2546Glu; replaces glutamine 2546 with glutamic acid.
Molecular consequence: missense variant.
Genome position (GRCh38, 1-based): chrX:154,349,482, G>C on the plus strand (C>G on the coding strand, the complement: FLNA is on the minus strand). VCF-style: chrX-154349482-G-C. GRCh37 (hg19) VCF-style: chrX-153577850-G-C.
Other names: c.7612C>G, p.Gln2538Glu (NM_001456.4); short protein forms Q2538E, Q2546E.
Identifiers: ClinVar variation 2087779 (VCV002087779.4), dbSNP rs2522713003, ClinGen allele CA415180380.